The following is an entry in ClinVar:

ClinVar aggregate classification (germline): Uncertain significance (1 of 4 stars; one submission).

Allele frequency attached by ClinVar (database versions not stated): TOPMed below 0.00001.

Submission:

Ambry Genetics
Classification: Uncertain significance. Last evaluated: 2023-10-20. Review status: criteria provided, single submitter. Criteria: Ambry Variant Classification Scheme 2023. Collection method: clinical testing. Allele origin: germline.
Comment: The p.T982A variant (also known as c.2944A>G), located in coding exon 16 of the POLQ gene, results from an A to G substitution at nucleotide position 2944. The threonine at codon 982 is replaced by alanine, an amino acid with similar properties. This amino acid position is conserved. In addition, this alteration is predicted to be tolerated by in silico analysis. Since supporting evidence is limited at this time, the clinical significance of this alteration remains unclear.

NM_199420.4(POLQ):c.2944A>G (p.Thr982Ala)

Gene: POLQ (DNA polymerase theta; minus strand). Cytogenetic location: 3q13.33.
Variant type: single nucleotide variant.
Coding change: c.2944A>G on transcript NM_199420.4 (MANE Select); coding-DNA position 2944, A replaced by G.
Protein change: p.Thr982Ala; replaces threonine 982 with alanine.
Molecular consequence: missense variant.
Genome position (GRCh38, 1-based): chr3:121,489,987, T>C on the plus strand (A>G on the coding strand, the complement: POLQ is on the minus strand). VCF-style: chr3-121489987-T-C. GRCh37 (hg19) VCF-style: chr3-121208834-T-C.
Other names: short protein forms T982A.
Identifiers: ClinVar variation 1797950 (VCV001797950.2), dbSNP rs2048052859, ClinGen allele CA354103823.